The following is an entry in ClinVar:

ClinVar aggregate classification (germline): Uncertain significance (1 of 4 stars; one submission).

Conditions:
Hereditary cancer-predisposing syndrome. Also called: Hereditary neoplastic syndrome; Neoplastic Syndromes, Hereditary; Tumor predisposition; Hereditary Cancer Syndrome. Identifiers: Orphanet 140162, MedGen C0027672, MeSH D009386, MONDO:0015356.

Submission:

Ambry Genetics
Classification: Uncertain significance for Hereditary cancer-predisposing syndrome. Last evaluated: 2026-07-08. Review status: criteria provided, single submitter. Criteria: Ambry Variant Classification Scheme 2023. Collection method: clinical testing. Allele origin: germline.
Comment: The p.P1227H variant (also known as c.3680C>A), located in coding exon 30 of the TSC2 gene, results from a C to A substitution at nucleotide position 3680. The proline at codon 1227 is replaced by histidine, an amino acid with similar properties. This amino acid position is conserved. In addition, this alteration is predicted to be deleterious by in silico analysis. Based on the available evidence, the clinical significance of this variant remains unclear.

NM_000548.5(TSC2):c.3680C>A (p.Pro1227His)

Gene: TSC2 (TSC complex subunit 2; plus strand). Cytogenetic location: 16p13.3.
Variant type: single nucleotide variant.
Coding change: c.3680C>A on transcript NM_000548.5 (MANE Select); coding-DNA position 3680, C replaced by A.
Protein change: p.Pro1227His; replaces proline 1227 with histidine.
Molecular consequence: missense variant. On other transcripts: non-coding transcript variant (5).
Genome position (GRCh38, 1-based): chr16:2,081,664, C>A. VCF-style: chr16-2081664-C-A. GRCh37 (hg19) VCF-style: chr16-2131665-C-A.
Other names: c.3548C>A, p.Pro1183His (NM_001370404.1, NM_001406665.1, NM_001077183.3); c.3551C>A, p.Pro1184His (NM_001370405.1, NM_001363528.2, NM_021055.3); c.3677C>A, p.Pro1226His (NM_001406663.1, NM_001406664.1); c.3641C>A, p.Pro1214His (NM_001406667.1); c.3638C>A, p.Pro1213His (NM_001406668.1); c.3569C>A, p.Pro1190His (NM_001406670.1); c.3539C>A, p.Pro1180His (NM_001406671.1); c.3536C>A, p.Pro1179His (NM_001406673.1); and 18 more; short protein forms P1027H, P1177H, P1226H, P735H, P736H, P1026H, P1178H, P1190H.
Identifiers: ClinVar variation 3462686 (VCV003462686.2).